The following is an entry in ClinVar:

ClinVar aggregate classification (germline): Uncertain significance (1 of 4 stars; one submission).

Submission:

GeneDx
Classification: Uncertain significance. Last evaluated: 2023-01-04. Review status: criteria provided, single submitter. Criteria: GeneDx Variant Classification Process June 2021. Collection method: clinical testing. Allele origin: germline. Affected: yes.
Comment: Not observed at significant frequency in large population cohorts (gnomAD); In silico analysis supports that this missense variant does not alter protein structure/function; Has not been previously published as pathogenic or benign to our knowledge

NM_001020658.2(PUM1):c.973C>G (p.Leu325Val)

Gene: PUM1 (pumilio RNA binding family member 1; minus strand). Cytogenetic location: 1p35.2.
Variant type: single nucleotide variant.
Coding change: c.973C>G on transcript NM_001020658.2 (MANE Select); coding-DNA position 973, C replaced by G.
Protein change: p.Leu325Val; replaces leucine 325 with valine.
Molecular consequence: missense variant.
Genome position (GRCh38, 1-based): chr1:30,992,575, G>C on the plus strand (C>G on the coding strand, the complement: PUM1 is on the minus strand). VCF-style: chr1-30992575-G-C. GRCh37 (hg19) VCF-style: chr1-31465422-G-C.
Other names: c.973C>G, p.Leu325Val (NM_014676.3); short protein forms L325V.
Identifiers: ClinVar variation 2571719 (VCV002571719.1), dbSNP rs2521805837, ClinGen allele CA339569239.